The following is an entry in ClinVar:

NM_002700.3(POU4F3):c.256G>C (p.Val86Leu)

Genes: POU4F3 (POU class 4 homeobox 3; plus strand), LOC127814297 (RBM27-POU4F3; plus strand). Cytogenetic location: 5q32.
Variant type: single nucleotide variant.
Coding change: c.256G>C on transcript NM_002700.3 (MANE Select); coding-DNA position 256, G replaced by C.
Protein change: p.Val86Leu; replaces valine 86 with leucine.
Molecular consequence: missense variant.
Genome position (GRCh38, 1-based): chr5:146,339,683, G>C. VCF-style: chr5-146339683-G-C. GRCh37 (hg19) VCF-style: chr5-145719246-G-C.
Other names: short protein forms V86L.
Identifiers: ClinVar variation 667307 (VCV000667307.6), dbSNP rs1581278182, ClinGen allele CA361620336.

ClinVar aggregate classification (germline): Uncertain significance. Review status: criteria provided, single submitter (1 of 4 stars). 2 submissions from 2 submitters: Uncertain significance (1). 1 of the submissions does not count toward it. Last evaluated 2019-02-01.

Submissions (2):

Laboratory for Molecular Medicine, Mass General Brigham Personalized Medicine
Classification: Uncertain significance. Last evaluated: 2019-02-01. Review status: criteria provided, single submitter. Criteria: LMM Criteria. Collection method: clinical testing. Allele origin: germline. Observed: 2 variant alleles.
Comment: The p.Val86Leu variant in POU4F3 has not been previously reported in individuals with hearing loss and was absent from large population studies. Computational prediction tools and conservation analysis do not provide strong support for or against an impact to the protein. In summary, the clinical significance of this variant is uncertain. ACMG/AMP Criteria applied: PM2.

Department of Pathology and Laboratory Medicine, Sinai Health System
Classification: Uncertain significance. Review status: no assertion criteria provided. Collection method: clinical testing. Allele origin: unknown. Affected: yes. Study: The Canadian Open Genetics Repository (COGR). Not counted in ClinVar's aggregate classification.
Comment: The POU4F3 p.Val86Leu variant was not identified in the literature nor was it identified in dbSNP, ClinVar, Cosmic, LOVD 3.0 or in the following control databases: the 1000 Genomes Project, the NHLBI GO Exome Sequencing Project, the Exome Aggregation Consortium (August 8th 2016), or the Genome Aggregation Database (Feb 27, 2017). The p.Val86 residue is conserved in mammals and computational analyses (PolyPhen-2, SIFT, AlignGVGD, BLOSUM, MutationTaster) provide inconsistent predictions regarding the impact to the protein; this information is not very predictive of pathogenicity. The variant occurs outside of the splicing consensus sequence and in silico or computational prediction software programs (SpliceSiteFinder, MaxEntScan, NNSPLICE, GeneSplicer) do not predict a difference in splicing. In summary, based on the above information the clinical significance of this variant cannot be determined with certainty at this time. This variant is classified as a variant of uncertain significance.